The following is an entry in ClinVar:

GRCh38/hg38 6q25.3(chr6:155869250-156798955)x1

Genes: ARID1B (AT-rich interaction domain 1B; plus strand), MIR1202 (microRNA 1202; plus strand), MIR4466 (microRNA 4466; minus strand), SNORD28B (small nucleolar RNA, C/D box 28B; plus strand), LOC105378073 (uncharacterized LOC105378073; minus strand) and 21 more. Cytogenetic location: 6q25.3.
Variant type: copy number loss.
Change: copy number 1 (one copy instead of two) of chr6:155,869,250-156,798,955 (929.7 kb, GRCh38 coordinates, 1-based), cytogenetic band 6q25.3.
Identifiers: ClinVar variation 58454 (VCV000058454.1).

ClinVar aggregate classification (germline): Pathogenic (1 of 4 stars; one submission).

Submission:

ISCA site 15
Classification: Pathogenic. Last evaluated: 2011-08-12. Review status: criteria provided, single submitter. Criteria: Kaminsky et al. (Genet Med. 2011). Collection method: clinical testing. Allele origin: de novo. Affected: yes. Observed: 1 variant allele.
Comment: Copy number variation identified through the course of routine clinical cytogenomic testing in postnatal populations. Clinical assertions have been curated as described in Kaminsky et al. 2011.